The following is an entry in ClinVar:

ClinVar aggregate classification (germline): Uncertain significance (1 of 4 stars; one submission).

Conditions:
Breast-ovarian cancer, familial, susceptibility to, 4. Identifiers: Orphanet 145, MedGen C3280345, MONDO:0013669, OMIM 614291.

Submission:

Labcorp Genetics (formerly Invitae), Labcorp
Classification: Uncertain significance for Breast-ovarian cancer, familial, susceptibility to, 4. Last evaluated: 2025-02-27. Review status: criteria provided, single submitter. Criteria: Invitae Variant Classification Sherloc (09022015). Collection method: clinical testing. Allele origin: germline.
Comment: This sequence change replaces leucine, which is neutral and non-polar, with glutamine, which is neutral and polar, at codon 149 of the RAD51D protein (p.Leu149Gln). This variant is not present in population databases (gnomAD no frequency). This variant has not been reported in the literature in individuals affected with RAD51D-related conditions. Invitae Evidence Modeling of protein sequence and biophysical properties (such as structural, functional, and spatial information, amino acid conservation, physicochemical variation, residue mobility, and thermodynamic stability) indicates that this missense variant is not expected to disrupt RAD51D protein function with a negative predictive value of 80%. In summary, the available evidence is currently insufficient to determine the role of this variant in disease. Therefore, it has been classified as a Variant of Uncertain Significance.

NM_002878.4(RAD51D):c.446T>A (p.Leu149Gln)

Genes: RAD51D (RAD51 paralog D; minus strand), RAD51L3-RFFL (RAD51L3-RFFL readthrough; minus strand). Cytogenetic location: 17q12.
Variant type: single nucleotide variant.
Coding change: c.446T>A on transcript NM_002878.4 (MANE Select); coding-DNA position 446, T replaced by A.
Protein change: p.Leu149Gln; replaces leucine 149 with glutamine.
Molecular consequence: missense variant. On other transcripts: non-coding transcript variant (1), intron variant (1).
Genome position (GRCh38, 1-based): chr17:35,107,022, A>T on the plus strand (T>A on the coding strand, the complement: RAD51D is on the minus strand). VCF-style: chr17-35107022-A-T. GRCh37 (hg19) VCF-style: chr17-33434041-A-T.
Other names: c.506T>A, p.Leu169Gln (NM_001142571.2); c.145-541T>A (NM_133629.3); short protein forms L149Q, L169Q.
Identifiers: ClinVar variation 4705017 (VCV004705017.1).